The following is an entry in ClinVar:

ClinVar aggregate classification (germline): Uncertain significance (1 of 4 stars; one submission).

Conditions:
Congenital factor V deficiency. Also called: Hereditary factor V deficiency disease; LABILE FACTOR DEFICIENCY; OWREN PARAHEMOPHILIA; PARAHEMOPHILIA. Identifiers: Orphanet 326, MedGen C0015499, MONDO:0009210, OMIM 227400.

Submission:

Labcorp Genetics (formerly Invitae), Labcorp
Classification: Uncertain significance for Congenital factor V deficiency. Last evaluated: 2024-11-19. Review status: criteria provided, single submitter. Criteria: Invitae Variant Classification Sherloc (09022015). Collection method: clinical testing. Allele origin: germline.
Comment: This sequence change replaces arginine, which is basic and polar, with glycine, which is neutral and non-polar, at codon 428 of the F5 protein (p.Arg428Gly). This variant is not present in population databases (gnomAD no frequency). This variant has not been reported in the literature in individuals affected with F5-related conditions. Invitae Evidence Modeling of protein sequence and biophysical properties (such as structural, functional, and spatial information, amino acid conservation, physicochemical variation, residue mobility, and thermodynamic stability) indicates that this missense variant is expected to disrupt F5 protein function with a positive predictive value of 80%. In summary, the available evidence is currently insufficient to determine the role of this variant in disease. Therefore, it has been classified as a Variant of Uncertain Significance.

NM_000130.5(F5):c.1282A>G (p.Arg428Gly)

Gene: F5 (coagulation factor V; minus strand). Cytogenetic location: 1q24.2.
Variant type: single nucleotide variant.
Coding change: c.1282A>G on transcript NM_000130.5 (MANE Select); coding-DNA position 1282, A replaced by G.
Protein change: p.Arg428Gly; replaces arginine 428 with glycine.
Molecular consequence: missense variant.
Genome position (GRCh38, 1-based): chr1:169,552,571, T>C on the plus strand (A>G on the coding strand, the complement: F5 is on the minus strand). VCF-style: chr1-169552571-T-C. GRCh37 (hg19) VCF-style: chr1-169521809-T-C.
Other names: short protein forms R428G.
Identifiers: ClinVar variation 3624138 (VCV003624138.2).
Genomic context (GRCh38, chr1:169,552,571, plus strand): 5'-TTTTACTATGTAATTTCTCCCATGATTCTGTATTTGTGTTACTTACTTTGAGTGTGTCTC[T>C]GACCTGGGCTCTGATAATAGGACCCAAAATCCCATCTTCTTTCATATTGGGATTCACTGT-3'
Protein context (NP_000121.2, residues 418-438): ILGPIIRAQV[Arg428Gly]DTLKIVFKNM